The following is an entry in ClinVar:

NM_004859.4(CLTC):c.854A>G (p.Tyr285Cys)

Gene: CLTC (clathrin heavy chain; plus strand). Cytogenetic location: 17q23.1.
Variant type: single nucleotide variant.
Coding change: c.854A>G on transcript NM_004859.4 (MANE Select); coding-DNA position 854, A replaced by G.
Protein change: p.Tyr285Cys; replaces tyrosine 285 with cysteine.
Molecular consequence: missense variant.
Genome position (GRCh38, 1-based): chr17:59,655,912, A>G. VCF-style: chr17-59655912-A-G. GRCh37 (hg19) VCF-style: chr17-57733273-A-G.
Other names: c.866A>G, p.Tyr289Cys (NM_001288653.2); short protein forms Y285C, Y289C.
Identifiers: ClinVar variation 2444112 (VCV002444112.1), dbSNP rs2032454669, ClinGen allele CA400422848.

ClinVar aggregate classification (germline): Uncertain significance (1 of 4 stars; one submission).

Conditions:
Intellectual developmental disorder, autosomal dominant 56. Also called: MENTAL RETARDATION, AUTOSOMAL DOMINANT 56; Intellectual disability, autosomal dominant 56. Identifiers: MedGen C4693389, MONDO:0030922, OMIM 617854.

Allele frequency attached by ClinVar (database versions not stated): gnomAD exomes below 0.00001; TOPMed below 0.00001.
gnomAD v4.1: 2 of 1,611,844 alleles (0.00012%); highest among the groups gnomAD compares: Non-Finnish European, 0.00017%; no homozygotes.

Submission:

3billion
Classification: Uncertain significance for Intellectual developmental disorder, autosomal dominant 56. Last evaluated: 2023-02-23. Review status: criteria provided, single submitter. Criteria: ACMG Guidelines, 2015. Collection method: clinical testing. Allele origin: unknown. Affected: yes.
Comment: The variant is not observed in the gnomAD v2.1.1 dataset. In silico tool predictions suggest damaging effect of the variant on gene or gene product (REVEL: 0.75). Therefore, this variant is classified as VUS according to the recommendation of ACMG/AMP guideline.